The following is an entry in ClinVar:

NM_004287.5(GOSR2):c.4G>A (p.Asp2Asn)

Genes: GOSR2 (golgi SNAP receptor complex member 2; plus strand), LRRC37A2 (leucine rich repeat containing 37 member A2). Cytogenetic location: 17q21.32.
Variant type: single nucleotide variant.
Coding change: c.4G>A on transcript NM_004287.5 (MANE Select); coding-DNA position 4, G replaced by A.
Protein change: p.Asp2Asn; replaces aspartic acid 2 with asparagine.
Molecular consequence: missense variant. On other transcripts: 5 prime UTR variant (2), non-coding transcript variant (3).
Genome position (GRCh38, 1-based): chr17:46,923,196, G>A. VCF-style: chr17-46923196-G-A. GRCh37 (hg19) VCF-style: chr17-45000562-G-A.
Other names: c.4G>A, p.Asp2Asn (NM_001012511.3, NM_001321133.2, NM_001330252.2 and 4 more transcripts); c.-99G>A (NM_001321134.2); c.-462G>A (NM_001363851.2); short protein forms D2N.
Identifiers: ClinVar variation 1488435 (VCV001488435.8), dbSNP rs1425442098, ClinGen allele CA400015676.

ClinVar aggregate classification (germline): Uncertain significance (1 of 4 stars; one submission).

Conditions:
Progressive myoclonic epilepsy. Also called: Familial progressive myoclonic epilepsy; Myoclonic Epilepsies, Progressive; Myoclonus epilepsy; Progressive myoclonus epilepsy. Identifiers: Orphanet 308, Orphanet 98261, MedGen C0751778, MONDO:0020074.

Allele frequency attached by ClinVar (database versions not stated): TOPMed below 0.00001.
gnomAD v4.1: 6 of 1,547,274 alleles (0.00039%); highest among the groups gnomAD compares: African/African-American, 0.0014%; no homozygotes.

Submission:

Labcorp Genetics (formerly Invitae), Labcorp
Classification: Uncertain significance for Progressive myoclonic epilepsy. Last evaluated: 2025-06-04. Review status: criteria provided, single submitter. Criteria: Invitae Variant Classification Sherloc (09022015). Collection method: clinical testing. Allele origin: germline.
Comment: This sequence change replaces aspartic acid, which is acidic and polar, with asparagine, which is neutral and polar, at codon 2 of the GOSR2 protein (p.Asp2Asn). The frequency data for this variant in the population databases is considered unreliable, as metrics indicate poor data quality at this position in the gnomAD database. This variant has not been reported in the literature in individuals affected with GOSR2-related conditions. ClinVar contains an entry for this variant (Variation ID: 1488435). An algorithm developed to predict the effect of missense changes on protein structure and function (PolyPhen-2) suggests that this variant is likely to be tolerated. In summary, the available evidence is currently insufficient to determine the role of this variant in disease. Therefore, it has been classified as a Variant of Uncertain Significance.